The following is an entry in ClinVar:

ClinVar aggregate classification (germline): Uncertain significance (1 of 4 stars; one submission).

gnomAD v4.1: 1 of 1,614,168 alleles (0.000062%); highest among the groups gnomAD compares: Non-Finnish European, 0.000085%; no homozygotes.

Submission:

GeneDx
Classification: Uncertain significance. Last evaluated: 2025-12-03. Review status: criteria provided, single submitter. Criteria: GeneDx Variant Classification Process June 2021. Collection method: clinical testing. Allele origin: germline.
Comment: Not observed at significant frequency in large population cohorts (gnomAD); In silico analysis supports that this missense variant has a deleterious effect on protein structure/function; Has not been previously published as pathogenic or benign to our knowledge

NM_001148.6(ANK2):c.923G>A (p.Arg308Gln)

Gene: ANK2 (ankyrin 2; plus strand). Cytogenetic location: 4q26.
Variant type: single nucleotide variant.
Coding change: c.923G>A on transcript NM_001148.6 (MANE Select); coding-DNA position 923, G replaced by A.
Protein change: p.Arg308Gln; replaces arginine 308 with glutamine.
Molecular consequence: missense variant.
Genome position (GRCh38, 1-based): chr4:113,249,795, G>A. VCF-style: chr4-113249795-G-A. GRCh37 (hg19) VCF-style: chr4-114170951-G-A.
Other names: c.836G>A, p.Arg279Gln (NM_001386146.1, NM_001386149.1, NM_001386150.1 and 16 more transcripts); c.881G>A, p.Arg294Gln (NM_001386147.1, NM_001354261.2, NM_001386160.1); c.911G>A, p.Arg304Gln (NM_001386148.2, NM_001354269.3, NM_001386186.2); c.968G>A, p.Arg323Gln (NM_001386152.1, NM_001354237.2, NM_001354240.2 and 5 more transcripts); c.860G>A, p.Arg287Gln (NM_001386156.1, NM_001354239.2, NM_001354243.2 and 14 more transcripts); c.923G>A, p.Arg308Gln (NM_001354236.2, NM_001354245.2, NM_001354246.2 and 9 more transcripts); c.974G>A, p.Arg325Gln (NM_001386174.1); c.950G>A, p.Arg317Gln (NM_001386175.1); and 1 more; short protein forms R279Q, R287Q, R294Q, R296Q, R304Q, R308Q, R317Q, R323Q.
Identifiers: ClinVar variation 4278534 (VCV004278534.2).